The following is an entry in ClinVar:

NM_001351169.2(NT5C2):c.1359A>C (p.Gln453His)

Gene: NT5C2 (5'-nucleotidase, cytosolic II; minus strand). Cytogenetic location: 10q24.32.
Variant type: single nucleotide variant.
Coding change: c.1359A>C on transcript NM_001351169.2 (MANE Select); coding-DNA position 1359, A replaced by C.
Protein change: p.Gln453His; replaces glutamine 453 with histidine.
Molecular consequence: missense variant.
Genome position (GRCh38, 1-based): chr10:103,090,701, T>G on the plus strand (A>C on the coding strand, the complement: NT5C2 is on the minus strand). VCF-style: chr10-103090701-T-G. GRCh37 (hg19) VCF-style: chr10-104850458-T-G.
Other names: c.1359A>C, p.Gln453His (NM_001134373.3, NM_012229.5); c.1383A>C, p.Gln461His (NM_001351170.2, NM_001351171.2, NM_001351172.2 and 1 more transcripts); c.1272A>C, p.Gln424His (NM_001351174.1); c.1266A>C, p.Gln422His (NM_001351175.2); c.786A>C, p.Gln262His (NM_001351176.2, NM_001351177.2, NM_001351178.2 and 16 more transcripts); c.645A>C, p.Gln215His (NM_001351194.2, NM_001351195.2, NM_001351196.2); short protein forms Q215H, Q262H, Q424H, Q461H, Q422H, Q453H.
Identifiers: ClinVar variation 1485214 (VCV001485214.4), dbSNP rs1048621280, ClinGen allele CA377969006.

ClinVar aggregate classification (germline): Uncertain significance. Review status: criteria provided, multiple submitters, no conflicts (2 of 4 stars). 2 submissions from 2 submitters: Uncertain significance (2). Last evaluated 2023-05-04.

Conditions:
Hereditary spastic paraplegia 45. Also called: SPASTIC PARAPLEGIA 45; Spastic paraplegia 45, autosomal recessive. Identifiers: Orphanet 320396, MedGen C3888209, MONDO:0013165, OMIM 613162.

Submissions (2):

Blueprint Genetics
Classification: Uncertain significance. Last evaluated: 2023-05-04. Review status: criteria provided, single submitter. Criteria: ACMG Guidelines, 2015. Collection method: clinical testing. Allele origin: germline.

Labcorp Genetics (formerly Invitae), Labcorp
Classification: Uncertain significance for Hereditary spastic paraplegia 45. Last evaluated: 2021-09-26. Review status: criteria provided, single submitter. Criteria: Invitae Variant Classification Sherloc (09022015). Collection method: clinical testing. Allele origin: germline.
Comment: This sequence change replaces glutamine with histidine at codon 453 of the NT5C2 protein (p.Gln453His). The glutamine residue is highly conserved and there is a small physicochemical difference between glutamine and histidine. This variant is not present in population databases (ExAC no frequency). This variant has not been reported in the literature in individuals affected with NT5C2-related conditions. Algorithms developed to predict the effect of missense changes on protein structure and function are either unavailable or do not agree on the potential impact of this missense change (SIFT: "Deleterious"; PolyPhen-2: "Probably Damaging"; Align-GVGD: "Class C15"). In summary, the available evidence is currently insufficient to determine the role of this variant in disease. Therefore, it has been classified as a Variant of Uncertain Significance.